The following is an entry in ClinVar:

ClinVar aggregate classification (germline): Pathogenic (1 of 4 stars; one submission).

Conditions:
Polycystic kidney disease, adult type (PKD1). Also called: Polycystic Kidney, Autosomal Dominant; Polycystic Kidney Disease 1, Autosomal Dominant; Polycystic kidney disease 1; Polycystic kidney disease 1, severe; POLYCYSTIC KIDNEY DISEASE, ADULT, TYPE I; POLYCYSTIC KIDNEY DISEASE 1 WITH OR WITHOUT POLYCYSTIC LIVER DISEASE. Identifiers: MedGen C3149841, MONDO:0008263, OMIM 173900.

Submission:

Women's Health and Genetics/Laboratory Corporation of America, LabCorp
Classification: Pathogenic for Polycystic kidney disease, adult type. Last evaluated: 2025-10-01. Review status: criteria provided, single submitter. Criteria: LabCorp Variant Classification Summary - May 2015. Collection method: clinical testing. Allele origin: germline.
Comment: Variant summary: PKD1 c.8035delG (p.Val2679TyrfsX6) results in a premature termination codon, predicted to cause absence of the protein due to nonsense mediated decay, which is a commonly known mechanism for disease. The frequency data for this variant in gnomAD is considered unreliable, as metrics indicate poor data quality at this position. c.8035delG has been observed in an individual affected with Polycystic Kidney Disease 1 (Liang_2020). The following publication has been ascertained in the context of this evaluation (PMID: 31730820). No submitters have cited clinical-significance assessments for this variant to ClinVar. Based on the evidence outlined above, the variant was classified as pathogenic.

Literature cited by the submitters: PubMed 31730820.

NM_001009944.3(PKD1):c.8035del (p.Val2679fs)

Gene: PKD1 (polycystin 1, transient receptor potential channel interacting; minus strand). Cytogenetic location: 16p13.3.
Variant type: Deletion.
Coding change: c.8035del on transcript NM_001009944.3 (MANE Select); coding-DNA position 8035, one base deleted (G; older notation c.8035delG).
Protein change: p.Val2679fs; shifts the reading frame from valine 2679.
Molecular consequence: frameshift variant.
Genome position (GRCh38, 1-based): chr16:2,104,624, C deleted on the plus strand (G on the coding strand, the reverse complement: PKD1 is on the minus strand). VCF-style (leftmost placement, unchanged base first): chr16-2104623-AC-A. GRCh37 (hg19) VCF-style: chr16-2154624-AC-A.
Other names: c.8035delG (NM_001009944.3); c.8035del, p.Val2679fs (NM_000296.4); short protein forms V2679fs.
Identifiers: ClinVar variation 4687620 (VCV004687620.1).
Genomic context (GRCh38, chr16:2,104,623, plus strand): 5'-TGCAGGATGAGCATCATGGCCTCCAGCTTGTGCAGCGTCTGCTTCAGGCACGAGCGGCAT[AC>A]GAGCTCCCTGCTGGGCCCCTGTGTGGAGCCAGCAGTGTCCAGCCCCGCTCCTGGCCCCAC-3'